The following is an entry in ClinVar:

NM_003172.4(SURF1):c.16G>A (p.Ala6Thr)

Gene: SURF1 (SURF1 cytochrome c oxidase assembly factor; minus strand). Cytogenetic location: 9q34.2.
Variant type: single nucleotide variant.
Coding change: c.16G>A on transcript NM_003172.4 (MANE Select); coding-DNA position 16, G replaced by A.
Protein change: p.Ala6Thr; replaces alanine 6 with threonine.
Molecular consequence: missense variant. On other transcripts: 5 prime UTR variant (1).
Genome position (GRCh38, 1-based): chr9:133,356,438, C>T on the plus strand (G>A on the coding strand, the complement: SURF1 is on the minus strand). VCF-style: chr9-133356438-C-T. GRCh37 (hg19) VCF-style: chr9-136223314-C-T.
Other names: c.-260G>A (NM_001280787.1); short protein forms A6T.
Identifiers: ClinVar variation 4527391 (VCV004527391.1).

ClinVar aggregate classification (germline): Uncertain significance (1 of 4 stars; one submission).

Submission:

GeneDx
Classification: Uncertain significance. Last evaluated: 2025-04-23. Review status: criteria provided, single submitter. Criteria: GeneDx Variant Classification Process June 2021. Collection method: clinical testing. Allele origin: germline. Affected: yes.
Comment: Not observed at significant frequency in large population cohorts (gnomAD); In silico analysis indicates that this missense variant does not alter protein structure/function; Has not been previously published as pathogenic or benign to our knowledge